The following is an entry in ClinVar:

NM_000338.3(SLC12A1):c.1560+4A>G

Gene: SLC12A1 (solute carrier family 12 member 1; plus strand). Cytogenetic location: 15q21.1.
Variant type: single nucleotide variant.
Coding change: c.1560+4A>G on transcript NM_000338.3 (MANE Select); 4 bases into the intron after coding-DNA position 1560, A replaced by G.
Molecular consequence: intron variant.
Genome position (GRCh38, 1-based): chr15:48,247,020, A>G. VCF-style: chr15-48247020-A-G. GRCh37 (hg19) VCF-style: chr15-48539217-A-G.
Other names: c.1560+4A>G (NM_001384136.1, NM_001184832.2).
Identifiers: ClinVar variation 2798273 (VCV002798273.3), dbSNP rs1464793764, ClinGen allele CA617824373.

ClinVar aggregate classification (germline): Uncertain significance (1 of 4 stars; one submission).

Allele frequency attached by ClinVar (database versions not stated): TOPMed below 0.00001; gnomAD exomes 0.00001.
gnomAD v4.1: 5 of 1,602,140 alleles (0.00031%); highest among the groups gnomAD compares: Non-Finnish European, 0.00043%; no homozygotes.

Submission:

Labcorp Genetics (formerly Invitae), Labcorp
Classification: Uncertain significance. Last evaluated: 2023-12-17. Review status: criteria provided, single submitter. Criteria: Invitae Variant Classification Sherloc (09022015). Collection method: clinical testing. Allele origin: germline.
Comment: This sequence change falls in intron 12 of the SLC12A1 gene. It does not directly change the encoded amino acid sequence of the SLC12A1 protein. It affects a nucleotide within the consensus splice site. This variant is present in population databases (no rsID available, gnomAD 0.002%). This variant has not been reported in the literature in individuals affected with SLC12A1-related conditions. Variants that disrupt the consensus splice site are a relatively common cause of aberrant splicing (PMID: 17576681, 9536098). Algorithms developed to predict the effect of sequence changes on RNA splicing suggest that this variant may disrupt the consensus splice site. In summary, the available evidence is currently insufficient to determine the role of this variant in disease. Therefore, it has been classified as a Variant of Uncertain Significance.

Literature cited by the submitters: PubMed 17576681; PubMed 9536098.